The following is an entry in ClinVar:

ClinVar aggregate classification (germline): Uncertain significance. Review status: criteria provided, multiple submitters, no conflicts (2 of 4 stars). 2 submissions from 2 submitters: Uncertain significance (2). Last evaluated 2023-10-13.

Allele frequency attached by ClinVar (database versions not stated): gnomAD exomes below 0.00001; TOPMed below 0.00001.

Submissions (2):

Labcorp Genetics (formerly Invitae), Labcorp
Classification: Uncertain significance. Last evaluated: 2023-10-13. Review status: criteria provided, single submitter. Criteria: Invitae Variant Classification Sherloc (09022015). Collection method: clinical testing. Allele origin: germline.
Comment: This sequence change replaces arginine, which is basic and polar, with histidine, which is basic and polar, at codon 3252 of the KMT2C protein (p.Arg3252His). This variant is not present in population databases (gnomAD no frequency). This variant has not been reported in the literature in individuals affected with KMT2C-related conditions. ClinVar contains an entry for this variant (Variation ID: 1993282). Advanced modeling of protein sequence and biophysical properties (such as structural, functional, and spatial information, amino acid conservation, physicochemical variation, residue mobility, and thermodynamic stability) performed at Invitae indicates that this missense variant is expected to disrupt KMT2C protein function. In summary, the available evidence is currently insufficient to determine the role of this variant in disease. Therefore, it has been classified as a Variant of Uncertain Significance.

Blueprint Genetics
Classification: Uncertain significance. Last evaluated: 2020-02-03. Review status: criteria provided, single submitter. Criteria: ACMG Guidelines, 2015. Collection method: clinical testing. Allele origin: germline.

NM_170606.3(KMT2C):c.9755G>A (p.Arg3252His)

Gene: KMT2C (lysine methyltransferase 2C; minus strand). Cytogenetic location: 7q36.1.
Variant type: single nucleotide variant.
Coding change: c.9755G>A on transcript NM_170606.3 (MANE Select); coding-DNA position 9755, G replaced by A.
Protein change: p.Arg3252His; replaces arginine 3252 with histidine.
Molecular consequence: missense variant.
Genome position (GRCh38, 1-based): chr7:152,163,822, C>T on the plus strand (G>A on the coding strand, the complement: KMT2C is on the minus strand). VCF-style: chr7-152163822-C-T. GRCh37 (hg19) VCF-style: chr7-151860907-C-T.
Other names: short protein forms R3252H.
Identifiers: ClinVar variation 1993282 (VCV001993282.5), dbSNP rs2092585098, ClinGen allele CA370106198.